The following is an entry in ClinVar:

ClinVar aggregate classification (germline): Pathogenic (1 of 4 stars; one submission).

Conditions:
Autosomal recessive limb-girdle muscular dystrophy. Identifiers: Orphanet 102015, MedGen C2931907, MONDO:0015152.

Submission:

Myriad Genetics, Inc.
Classification: Pathogenic for Autosomal recessive limb-girdle muscular dystrophy. Last evaluated: 2023-09-02. Review status: criteria provided, single submitter. Criteria: Myriad Autosomal Dominant, Autosomal Recessive and X-Linked Classification Criteria (2023). Collection method: clinical testing. Allele origin: unknown.
Comment: NM_003494.3(DYSF):c.3741del1ins20(S1248Tfs*34) is expected to be pathogenic in the context of dysferlinopathy. This variant is predicted to lead to an abnormal or absent protein product due to the creation of a premature termination codon in DYSF, a gene where loss-of-function variants are known to be pathogenic. Please note: this variant was assessed in the context of healthy population screening.

NM_001130987.2(DYSF):c.3795delinsCACAGATGTGTATAAGAGAC (p.Ser1266fs)

Gene: DYSF (dysferlin; plus strand). Cytogenetic location: 2p13.2.
Variant type: Indel.
Coding change: c.3795delinsCACAGATGTGTATAAGAGAC on transcript NM_001130987.2 (MANE Select); coding-DNA position 3795, G replaced by CACAGATGTGTATAAGAGAC.
Protein change: p.Ser1266fs; shifts the reading frame from serine 1266.
Molecular consequence: frameshift variant.
Genome position (GRCh38, 1-based): chr2:71,600,740, G replaced by CACAGATGTGTATAAGAGAC. VCF-style: chr2-71600740-G-CACAGATGTGTATAAGAGAC. GRCh37 (hg19) VCF-style: chr2-71827870-G-CACAGATGTGTATAAGAGAC.
Other names: c.3744delinsCACAGATGTGTATAAGAGAC, p.Ser1249fs (NM_001130455.2, NM_001130983.2); c.3699delinsCACAGATGTGTATAAGAGAC, p.Ser1234fs (NM_001130976.2, NM_001130977.2); c.3741delinsCACAGATGTGTATAAGAGAC, p.Ser1248fs (NM_001130978.2, NM_003494.4); c.3834delinsCACAGATGTGTATAAGAGAC, p.Ser1279fs (NM_001130979.2); c.3792delinsCACAGATGTGTATAAGAGAC, p.Ser1265fs (NM_001130980.2, NM_001130981.2); c.3837delinsCACAGATGTGTATAAGAGAC, p.Ser1280fs (NM_001130982.2); c.3702delinsCACAGATGTGTATAAGAGAC, p.Ser1235fs (NM_001130984.2, NM_001130986.2); c.3795delinsCACAGATGTGTATAAGAGAC, p.Ser1266fs (NM_001130985.2); short protein forms S1234fs, S1235fs, S1248fs, S1249fs, S1265fs, S1266fs, S1279fs, S1280fs.
Identifiers: ClinVar variation 5011518 (VCV005011518.1).